The following is an entry in ClinVar:

ClinVar aggregate classification (germline): Uncertain significance (1 of 4 stars; one submission).

Conditions:
RNF213-related disorder. Also called: RNF213-related condition.

Allele frequency attached by ClinVar (database versions not stated): ExAC 0.00001; gnomAD exomes 0.00001.
gnomAD v4.1: 20 of 1,613,024 alleles (0.0012%); highest among the groups gnomAD compares: African/African-American, 0.0027%; no homozygotes.

Submission:

PreventionGenetics, part of Exact Sciences
Classification: Uncertain significance for RNF213-related condition. Last evaluated: 2023-09-27. Review status: criteria provided, single submitter. Criteria: ACMG Guidelines, 2015. Collection method: clinical testing. Allele origin: germline.
Comment: The RNF213 c.8068G>A variant is predicted to result in the amino acid substitution p.Gly2690Arg. To our knowledge, this variant has not been reported in the literature. This variant is reported in 0.0050% of alleles in individuals of East Asian descent in gnomAD. At this time, the clinical significance of this variant is uncertain due to the absence of conclusive functional and genetic evidence.

NM_001256071.3(RNF213):c.8068G>A (p.Gly2690Arg)

Gene: RNF213 (ring finger protein 213; plus strand). Cytogenetic location: 17q25.3.
Variant type: single nucleotide variant.
Coding change: c.8068G>A on transcript NM_001256071.3 (MANE Select); coding-DNA position 8068, G replaced by A.
Protein change: p.Gly2690Arg; replaces glycine 2690 with arginine.
Molecular consequence: missense variant.
Genome position (GRCh38, 1-based): chr17:80,346,403, G>A. VCF-style: chr17-80346403-G-A. GRCh37 (hg19) VCF-style: chr17-78320203-G-A.
Other names: c.8215G>A, p.Gly2739Arg (NM_001410195.1, NM_020914.5); short protein forms G2690R, G2739R.
Identifiers: ClinVar variation 2634983 (VCV002634983.1), dbSNP rs745353314, ClinGen allele CA8820870.